The following is an entry in ClinVar:

NM_018192.4(P3H2):c.1021G>A (p.Asp341Asn)

Gene: P3H2 (prolyl 3-hydroxylase 2; minus strand). Cytogenetic location: 3q28.
Variant type: single nucleotide variant.
Coding change: c.1021G>A on transcript NM_018192.4 (MANE Select); coding-DNA position 1021, G replaced by A.
Protein change: p.Asp341Asn; replaces aspartic acid 341 with asparagine.
Molecular consequence: missense variant.
Genome position (GRCh38, 1-based): chr3:189,987,604, C>T on the plus strand (G>A on the coding strand, the complement: P3H2 is on the minus strand). VCF-style: chr3-189987604-C-T. GRCh37 (hg19) VCF-style: chr3-189705393-C-T.
Other names: c.478G>A, p.Asp160Asn (NM_001134418.2); short protein forms D341N, D160N.
Identifiers: ClinVar variation 843107 (VCV000843107.6), dbSNP rs373927327, ClinGen allele CA2753135.

ClinVar aggregate classification (germline): Uncertain significance (1 of 4 stars; one submission).

Allele frequency attached by ClinVar (database versions not stated): gnomAD exomes below 0.00001 and 0.00001; ExAC 0.00001; gnomAD 0.00001; TOPMed 0.00001; ESP Exome Variant Server 0.00008.
gnomAD v4.1: 16 of 1,614,012 alleles (0.00099%); highest among the groups gnomAD compares: Non-Finnish European, 0.0013%; no homozygotes.

Submission:

Labcorp Genetics (formerly Invitae), Labcorp
Classification: Uncertain significance. Last evaluated: 2024-02-17. Review status: criteria provided, single submitter. Criteria: Invitae Variant Classification Sherloc (09022015). Collection method: clinical testing. Allele origin: germline.
Comment: This sequence change replaces aspartic acid, which is acidic and polar, with asparagine, which is neutral and polar, at codon 341 of the P3H2 protein (p.Asp341Asn). The frequency data for this variant in the population databases is considered unreliable, as metrics indicate poor data quality at this position in the gnomAD database. This variant has not been reported in the literature in individuals affected with P3H2-related conditions. ClinVar contains an entry for this variant (Variation ID: 843107). Advanced modeling of protein sequence and biophysical properties (such as structural, functional, and spatial information, amino acid conservation, physicochemical variation, residue mobility, and thermodynamic stability) performed at Invitae indicates that this missense variant is not expected to disrupt P3H2 protein function with a negative predictive value of 80%. In summary, the available evidence is currently insufficient to determine the role of this variant in disease. Therefore, it has been classified as a Variant of Uncertain Significance.